The following is an entry in ClinVar:

ClinVar aggregate classification (germline): Uncertain significance (1 of 4 stars; one submission).

Submission:

GeneDx
Classification: Uncertain significance. Last evaluated: 2025-08-01. Review status: criteria provided, single submitter. Criteria: GeneDx Variant Classification Process June 2021. Collection method: clinical testing. Allele origin: germline. Affected: yes.
Comment: Not observed at significant frequency in large population cohorts (gnomAD); In silico analysis supports that this missense variant has a deleterious effect on protein structure/function; In silico analysis suggests this variant may impact gene splicing. In the absence of RNA/functional studies, the actual effect of this sequence change is unknown.; Has not been previously published as pathogenic or benign to our knowledge

NM_005883.3(APC2):c.1592C>G (p.Ala531Gly)

Gene: APC2 (APC regulator of Wnt signaling pathway 2; plus strand). Cytogenetic location: 19p13.3.
Variant type: single nucleotide variant.
Coding change: c.1592C>G on transcript NM_005883.3 (MANE Select); coding-DNA position 1592, C replaced by G.
Protein change: p.Ala531Gly; replaces alanine 531 with glycine.
Molecular consequence: missense variant.
Genome position (GRCh38, 1-based): chr19:1,461,107, C>G. VCF-style: chr19-1461107-C-G. GRCh37 (hg19) VCF-style: chr19-1461106-C-G.
Other names: c.1589C>G, p.Ala530Gly (NM_001351273.1); short protein forms A530G, A531G.
Identifiers: ClinVar variation 4690073 (VCV004690073.1).